The following is an entry in ClinVar:

NM_004260.4(RECQL4):c.3499_3502+7del

Gene: RECQL4 (RecQ like helicase 4; minus strand). Cytogenetic location: 8q24.3.
Variant type: Deletion.
Coding change: c.3499_3502+7del on transcript NM_004260.4 (MANE Select); coding-DNA position 3499 through 7 bases into the intron after coding-DNA position 3502, 11 bases deleted (ATCGGTGAGGC).
Molecular consequence: splice donor variant.
Genome position (GRCh38, 1-based): chr8:144,511,674-144,511,684, GCCTCACCGAT deleted on the plus strand (ATCGGTGAGGC on the coding strand, the reverse complement: RECQL4 is on the minus strand); deleting any 11 consecutive bases within chr8:144,511,674-144,511,687 gives the same sequence; the c. name uses the placement nearest the transcript's 3' end. VCF-style (leftmost placement, unchanged base first): chr8-144511673-GGCCTCACCGAT-G. GRCh37 (hg19) VCF-style: chr8-145737056-GGCCTCACCGAT-G.
Other names: c.3370_3373+7del (NM_001413025.1); c.3148_3151+7del (NM_001413029.1); c.2362_2365+7del (NM_001413032.1, NM_001413027.1, NM_001413030.1); c.2428_2431+7del (NM_001413035.1, NM_001413040.1, NM_001413021.1 and 4 more transcripts); c.3205_3208+7del (NM_001413017.1); c.3403_3406+7del (NM_001413020.1); c.3469_3472+7del (NM_001413039.1); c.3367_3370+7del (NM_001413033.1); and 9 more.
Identifiers: ClinVar variation 3647221 (VCV003647221.2).

ClinVar aggregate classification (germline): Uncertain significance (1 of 4 stars; one submission).

Conditions:
Baller-Gerold syndrome (BGS). Also called: CRANIOSYNOSTOSIS WITH RADIAL DEFECTS. Identifiers: Orphanet 1225, MedGen C0265308, MONDO:0009039, OMIM 218600.

Submission:

Labcorp Genetics (formerly Invitae), Labcorp
Classification: Uncertain significance for Baller-Gerold syndrome. Last evaluated: 2024-03-21. Review status: criteria provided, single submitter. Criteria: Invitae Variant Classification Sherloc (09022015). Collection method: clinical testing. Allele origin: germline.
Comment: This variant results in the deletion of part of exon 20 (c.3499_3502+7del) of the RECQL4 gene. While this variant is not anticipated to result in nonsense mediated decay, it likely alters RNA splicing and results in a disrupted protein product. This variant is not present in population databases (gnomAD no frequency). This variant has not been reported in the literature in individuals affected with RECQL4-related conditions. Variants that disrupt the consensus splice site are a relatively common cause of aberrant splicing (PMID: 17576681, 9536098). In summary, the available evidence is currently insufficient to determine the role of this variant in disease. Therefore, it has been classified as a Variant of Uncertain Significance.

Literature cited by the submitters: PubMed 17576681; PubMed 9536098.